The following is an entry in ClinVar:

NM_006648.4(WNK2):c.5161C>T (p.Leu1721Phe)

Gene: WNK2 (WNK lysine deficient protein kinase 2; plus strand). Cytogenetic location: 9q22.31.
Variant type: single nucleotide variant.
Coding change: c.5161C>T on transcript NM_006648.4 (MANE Select); coding-DNA position 5161, C replaced by T.
Protein change: p.Leu1721Phe; replaces leucine 1721 with phenylalanine.
Molecular consequence: missense variant.
Genome position (GRCh38, 1-based): chr9:93,292,626, C>T. VCF-style: chr9-93292626-C-T. GRCh37 (hg19) VCF-style: chr9-96054908-C-T.
Other names: c.5272C>T, p.Leu1758Phe (NM_001282394.3); short protein forms L1721F, L1758F.
Identifiers: ClinVar variation 3981889 (VCV003981889.1).
Genomic context (GRCh38, chr9:93,292,626, plus strand): 5'-GCAGAGCCCCCGCCGAGTGACATGGGCACAGTGGGGGGCCAGGCTAGCCACCCCCAGACA[C>T]TCGGCGCTCGAGCTTTGGGGTCCCCTCGGAAACGTCCAGAGCAGCAGGATGTCAGCTCAC-3'
Protein context (NP_006639.3, residues 1711-1731): VGGQASHPQT[Leu1721Phe]GARALGSPRK

ClinVar aggregate classification (germline): Uncertain significance (1 of 4 stars; one submission).

gnomAD v4.1: 2 of 1,582,740 alleles (0.00013%); highest among the groups gnomAD compares: Non-Finnish European, 0.00017%; no homozygotes.

Submission:

Ambry Genetics
Classification: Uncertain significance. Last evaluated: 2025-04-16. Review status: criteria provided, single submitter. Criteria: Ambry Variant Classification Scheme 2023. Collection method: clinical testing. Allele origin: germline.
Comment: The p.L1721F variant (also known as c.5161C>T), located in coding exon 22 of the WNK2 gene, results from a C to T substitution at nucleotide position 5161. The leucine at codon 1721 is replaced by phenylalanine, an amino acid with highly similar properties. This amino acid position is conserved. In addition, this alteration is predicted to be tolerated by in silico analysis. Based on the available evidence, the clinical significance of this variant remains unclear.